The following is an entry in ClinVar:

ClinVar aggregate classification (germline): Uncertain significance (1 of 4 stars; one submission).

Conditions:
Hereditary cancer-predisposing syndrome. Also called: Neoplastic Syndromes, Hereditary; Tumor predisposition; Hereditary neoplastic syndrome; Hereditary Cancer Syndrome. Identifiers: Orphanet 140162, MedGen C0027672, MeSH D009386, MONDO:0015356.

gnomAD v4.1: 10 of 1,613,106 alleles (0.00062%); highest among the groups gnomAD compares: Non-Finnish European, 0.00085%; no homozygotes.

Submission:

Ambry Genetics
Classification: Uncertain significance for Hereditary cancer-predisposing syndrome. Last evaluated: 2024-06-19. Review status: criteria provided, single submitter. Criteria: Ambry Variant Classification Scheme 2023. Collection method: clinical testing. Allele origin: germline.
Comment: The p.A53V variant (also known as c.158C>T), located in coding exon 3 of the SDHA gene, results from a C to T substitution at nucleotide position 158. The alanine at codon 53 is replaced by valine, an amino acid with similar properties. This amino acid position is poorly conserved in available vertebrate species. In addition, this alteration is predicted to be tolerated by in silico analysis. Based on the available evidence, the clinical significance of this variant remains unclear.

NM_004168.4(SDHA):c.158C>T (p.Ala53Val)

Gene: SDHA (succinate dehydrogenase complex flavoprotein subunit A; plus strand). Cytogenetic location: 5p15.33.
Variant type: single nucleotide variant.
Coding change: c.158C>T on transcript NM_004168.4 (MANE Select); coding-DNA position 158, C replaced by T.
Protein change: p.Ala53Val; replaces alanine 53 with valine.
Molecular consequence: missense variant.
Genome position (GRCh38, 1-based): chr5:224,367, C>T. VCF-style: chr5-224367-C-T. GRCh37 (hg19) VCF-style: chr5-224482-C-T.
Other names: c.158C>T, p.Ala53Val (NM_001294332.2, NM_001330758.2); short protein forms A53V.
Identifiers: ClinVar variation 3316856 (VCV003316856.1).